The following is an entry in ClinVar:

ClinVar aggregate classification (germline): Uncertain significance. Review status: criteria provided, multiple submitters, no conflicts (2 of 4 stars). 3 submissions from 3 submitters: Uncertain significance (3). Last evaluated 2025-12-11.

Conditions:
Cardiovascular phenotype. Identifiers: MedGen CN230736.

Allele frequency attached by ClinVar (database versions not stated): gnomAD exomes 0.00001 and 0.00003; 1000 Genomes Project 30x 0.00016.
gnomAD v4.1: 21 of 1,550,348 alleles (0.0014%); highest among the groups gnomAD compares: Admixed American, 0.0039%; no homozygotes.

Submissions (3):

Labcorp Genetics (formerly Invitae), Labcorp
Classification: Uncertain significance. Last evaluated: 2025-12-11. Review status: criteria provided, single submitter. Criteria: Invitae Variant Classification Sherloc (09022015). Collection method: clinical testing. Allele origin: germline.
Comment: This sequence change replaces glycine, which is neutral and non-polar, with serine, which is neutral and polar, at codon 2433 of the ZNF469 protein (p.Gly2433Ser). This variant is present in population databases (no rsID available, gnomAD 0.02%). This variant has not been reported in the literature in individuals affected with ZNF469-related conditions. ClinVar contains an entry for this variant (Variation ID: 1432386). An algorithm developed to predict the effect of missense changes on protein structure and function outputs the following: PolyPhen-2: "Benign". The serine amino acid residue is found in multiple mammalian species, which suggests that this missense change does not adversely affect protein function. In summary, the available evidence is currently insufficient to determine the role of this variant in disease. Therefore, it has been classified as a Variant of Uncertain Significance.

Women's Health and Genetics/Laboratory Corporation of America, LabCorp
Classification: Uncertain significance. Last evaluated: 2025-10-29. Review status: criteria provided, single submitter. Criteria: LabCorp Variant Classification Summary - May 2015. Collection method: clinical testing. Allele origin: germline.
Comment: Variant summary: ZNF469 c.7381G>A (p.Gly2461Ser) results in a non-conservative amino acid change in the encoded protein sequence. Algorithms developed to predict the effect of missense changes on protein structure and function are either unavailable or do not agree on the potential impact of this missense change. The variant allele was found at a frequency of 3.3e-05 in 149912 control chromosomes. The available data on variant occurrences in the general population are insufficient to allow any conclusion about variant significance. To our knowledge, no occurrence of c.7381G>A in individuals affected with ZNF469-related conditions and no experimental evidence demonstrating its impact on protein function have been reported. ClinVar contains an entry for this variant (Variation ID: 1432386). Based on the evidence outlined above, the variant was classified as uncertain significance.

Ambry Genetics
Classification: Uncertain significance for Cardiovascular phenotype. Last evaluated: 2022-10-26. Review status: criteria provided, single submitter. Criteria: Ambry Variant Classification Scheme 2023. Collection method: clinical testing. Allele origin: germline.

NM_001367624.2(ZNF469):c.7381G>A (p.Gly2461Ser)

Gene: ZNF469 (zinc finger protein 469; plus strand). Cytogenetic location: 16q24.2.
Variant type: single nucleotide variant.
Coding change: c.7381G>A on transcript NM_001367624.2 (MANE Select); coding-DNA position 7381, G replaced by A.
Protein change: p.Gly2461Ser; replaces glycine 2461 with serine.
Molecular consequence: missense variant.
Genome position (GRCh38, 1-based): chr16:88,434,851, G>A. VCF-style: chr16-88434851-G-A. GRCh37 (hg19) VCF-style: chr16-88501259-G-A.
Other names: NM_001127464.1:c.7297G>A; short protein forms G2461S.
Identifiers: ClinVar variation 1432386 (VCV001432386.8), dbSNP rs1024785554, ClinGen allele CA286382602.